The following is an entry in ClinVar:

NM_012062.5(DNM1L):c.1775T>C (p.Met592Thr)

Gene: DNM1L (dynamin 1 like; plus strand). Cytogenetic location: 12p11.21.
Variant type: single nucleotide variant.
Coding change: c.1775T>C on transcript NM_012062.5 (MANE Select); coding-DNA position 1775, T replaced by C.
Protein change: p.Met592Thr; replaces methionine 592 with threonine.
Molecular consequence: missense variant.
Genome position (GRCh38, 1-based): chr12:32,740,131, T>C. VCF-style: chr12-32740131-T-C. GRCh37 (hg19) VCF-style: chr12-32893065-T-C.
Other names: c.1742T>C, p.Met581Thr (NM_001278463.2); c.1814T>C, p.Met605Thr (NM_001278464.2); c.1781T>C, p.Met594Thr (NM_001278465.2); c.1166T>C, p.Met389Thr (NM_001278466.2); c.1703T>C, p.Met568Thr (NM_001330380.2); c.1664T>C, p.Met555Thr (NM_005690.5); c.1697T>C, p.Met566Thr (NM_012063.4); short protein forms M555T, M566T, M581T, M592T, M389T, M568T, M594T, M605T.
Identifiers: ClinVar variation 2859356 (VCV002859356.3), dbSNP rs2541121326, ClinGen allele CA384362594.

ClinVar aggregate classification (germline): Uncertain significance (1 of 4 stars; one submission).

Submission:

Labcorp Genetics (formerly Invitae), Labcorp
Classification: Uncertain significance. Last evaluated: 2023-04-26. Review status: criteria provided, single submitter. Criteria: Invitae Variant Classification Sherloc (09022015). Collection method: clinical testing. Allele origin: germline.
Comment: In summary, the available evidence is currently insufficient to determine the role of this variant in disease. Therefore, it has been classified as a Variant of Uncertain Significance. An algorithm developed to predict the effect of missense changes on protein structure and function (PolyPhen-2) suggests that this variant is likely to be tolerated. This variant has not been reported in the literature in individuals affected with DNM1L-related conditions. This variant is not present in population databases (gnomAD no frequency). This sequence change replaces methionine, which is neutral and non-polar, with threonine, which is neutral and polar, at codon 592 of the DNM1L protein (p.Met592Thr).